The following is an entry in ClinVar:

ClinVar aggregate classification (germline): Uncertain significance (1 of 4 stars; one submission).

Conditions:
Hereditary cancer-predisposing syndrome. Also called: Tumor predisposition; Neoplastic Syndromes, Hereditary; Hereditary Cancer Syndrome; Hereditary neoplastic syndrome. Identifiers: Orphanet 140162, MedGen C0027672, MeSH D009386, MONDO:0015356.

Submission:

Ambry Genetics
Classification: Uncertain significance for Hereditary cancer-predisposing syndrome. Last evaluated: 2024-10-17. Review status: criteria provided, single submitter. Criteria: Ambry Variant Classification Scheme 2023. Collection method: clinical testing. Allele origin: germline.
Comment: The p.Q494H variant (also known as c.1482A>T), located in coding exon 10 of the CTNNA1 gene, results from an A to T substitution at nucleotide position 1482. The glutamine at codon 494 is replaced by histidine, an amino acid with highly similar properties. This amino acid position is conserved. In addition, the in silico prediction for this alteration is inconclusive. Based on the available evidence, the clinical significance of this variant remains unclear.

NM_001903.5(CTNNA1):c.1482A>T (p.Gln494His)

Gene: CTNNA1 (catenin alpha 1; plus strand). Cytogenetic location: 5q31.2.
Variant type: single nucleotide variant.
Coding change: c.1482A>T on transcript NM_001903.5 (MANE Select); coding-DNA position 1482, A replaced by T.
Protein change: p.Gln494His; replaces glutamine 494 with histidine.
Molecular consequence: missense variant.
Genome position (GRCh38, 1-based): chr5:138,917,834, A>T. VCF-style: chr5-138917834-A-T. GRCh37 (hg19) VCF-style: chr5-138253523-A-T.
Other names: c.1482A>T, p.Gln494His (NM_001290307.3, NM_001323982.2, NM_001323983.1 and 2 more transcripts); c.1173A>T, p.Gln391His (NM_001290309.3); c.1113A>T, p.Gln371His (NM_001290310.3); c.372A>T, p.Gln124His (NM_001290312.1, NM_001323987.1, NM_001323988.1 and 17 more transcripts); c.1389A>T, p.Gln463His (NM_001323986.2); c.33A>T, p.Gln11His (NM_001324006.1, NM_001324007.1, NM_001324008.1 and 2 more transcripts); c.279A>T, p.Gln93His (NM_001324011.1); c.129A>T, p.Gln43His (NM_001324012.1, NM_001324013.1); short protein forms Q463H, Q494H, Q93H, Q124H, Q11H, Q371H, Q391H, Q43H.
Identifiers: ClinVar variation 3498254 (VCV003498254.1).